The following is an entry in ClinVar:

ClinVar aggregate classification (germline): Likely benign. Review status: criteria provided, multiple submitters, no conflicts (2 of 4 stars). 3 submissions from 3 submitters: Likely benign (3). Last evaluated 2025-08-12.

Conditions:
Familial sleep-related hypermotor epilepsy. Also called: Autosomal Dominant Sleep-Related Hypermotor (Hyperkinetic) Epilepsy. Identifiers: Orphanet 98784, MedGen C3696898, MONDO:0000030.

Allele frequency attached by ClinVar (database versions not stated): gnomAD exomes 0.00002 and 0.00004; TOPMed 0.00002; gnomAD 0.00003 and 0.00004.
gnomAD v4.1: 64 of 1,560,726 alleles (0.0041%); highest among the groups gnomAD compares: African/African-American, 0.011%; no homozygotes.

Submissions (3):

Labcorp Genetics (formerly Invitae), Labcorp
Classification: Likely benign. Last evaluated: 2025-08-12. Review status: criteria provided, single submitter. Criteria: Invitae Variant Classification Sherloc (09022015). Collection method: clinical testing. Allele origin: germline.

Blueprint Genetics
Classification: Likely benign. Last evaluated: 2023-10-05. Review status: criteria provided, single submitter. Criteria: ACMG Guidelines, 2015. Collection method: clinical testing. Allele origin: germline.

GeneDx
Classification: Likely benign. Last evaluated: 2016-03-09. Review status: criteria provided, single submitter. Criteria: GeneDx Variant Classification (06012015). Collection method: clinical testing. Allele origin: germline. Affected: yes.
Comment: This variant is considered likely benign or benign based on one or more of the following criteria: it is a conservative change, it occurs at a poorly conserved position in the protein, it is predicted to be benign by multiple in silico algorithms, and/or has population frequency not consistent with disease.

NM_000744.7(CHRNA4):c.1443C>T (p.Gly481=)

Gene: CHRNA4 (cholinergic receptor nicotinic alpha 4 subunit; minus strand). Cytogenetic location: 20q13.33.
Variant type: single nucleotide variant.
Coding change: c.1443C>T on transcript NM_000744.7 (MANE Select); coding-DNA position 1443, C replaced by T.
Protein change: p.Gly481=; no amino-acid change (glycine 481 retained).
Molecular consequence: synonymous variant. On other transcripts: non-coding transcript variant (1).
Genome position (GRCh38, 1-based): chr20:63,349,968, G>A on the plus strand (C>T on the coding strand, the complement: CHRNA4 is on the minus strand). VCF-style: chr20-63349968-G-A. GRCh37 (hg19) VCF-style: chr20-61981320-G-A.
Other names: c.915C>T, p.Gly305= (NM_001256573.2).
Identifiers: ClinVar variation 384651 (VCV000384651.10), dbSNP rs1057522022, ClinGen allele CA16608406.